The following is an entry in ClinVar:

NM_021964.3(ZNF148):c.1709G>A (p.Ser570Asn)

Genes: ZNF148 (zinc finger protein 148; minus strand), LOC126806798 (P300/CBP strongly-dependent group 1 enhancer GRCh37_chr3:124950809-124952008; plus strand). Cytogenetic location: 3q21.2.
Variant type: single nucleotide variant.
Coding change: c.1709G>A on transcript NM_021964.3 (MANE Select); coding-DNA position 1709, G replaced by A.
Protein change: p.Ser570Asn; replaces serine 570 with asparagine.
Molecular consequence: missense variant.
Genome position (GRCh38, 1-based): chr3:125,233,017, C>T on the plus strand (G>A on the coding strand, the complement: ZNF148 is on the minus strand). VCF-style: chr3-125233017-C-T. GRCh37 (hg19) VCF-style: chr3-124951861-C-T.
Other names: c.1709G>A, p.Ser570Asn (NM_001348424.1, NM_001348425.2, NM_001348426.2 and 7 more transcripts); c.1583G>A, p.Ser528Asn (NM_001348434.2); short protein forms S528N, S570N.
Identifiers: ClinVar variation 5037193 (VCV005037193.1).
Genomic context (GRCh38, chr3:125,233,017, plus strand): 5'-CTTGATCCAACATTCTCTGACGGGGTGACCTCTGGTACTTCTGAAGAATTTATTGATATG[C>T]TAGAAGTCACTTCAGTATCTGCAACACTGAAGGATATCTCATGCTGTCCATTAGCTTTGT-3'
Protein context (NP_068799.2, residues 560-580): FSVADTEVTS[Ser570Asn]ISINSSEVPE

ClinVar aggregate classification (germline): Uncertain significance (1 of 4 stars; one submission).

Submission:

GeneDx
Classification: Uncertain significance. Last evaluated: 2026-04-14. Review status: criteria provided, single submitter. Criteria: GeneDx Variant Classification Process June 2021. Collection method: clinical testing. Allele origin: germline.
Comment: Not observed at significant frequency in large population cohorts (gnomAD); In silico analysis suggests that this missense variant does not alter protein structure/function; Has not been previously published as pathogenic or benign to our knowledge